The following is an entry in ClinVar:

NM_003072.5(SMARCA4):c.3316A>G (p.Thr1106Ala)

Gene: SMARCA4 (SWI/SNF related BAF chromatin remodeling complex subunit ATPase 4; plus strand). Cytogenetic location: 19p13.2.
Variant type: single nucleotide variant.
Coding change: c.3316A>G on transcript NM_003072.5 (MANE Select); coding-DNA position 3316, A replaced by G.
Protein change: p.Thr1106Ala; replaces threonine 1106 with alanine.
Molecular consequence: missense variant. On other transcripts: non-coding transcript variant (1).
Genome position (GRCh38, 1-based): chr19:11,027,884, A>G. VCF-style: chr19-11027884-A-G. GRCh37 (hg19) VCF-style: chr19-11138560-A-G.
Other names: c.3316A>G, p.Thr1106Ala (NM_001128844.3, NM_001128845.2, NM_001128846.2 and 5 more transcripts); short protein forms T1106A.
Identifiers: ClinVar variation 1513124 (VCV001513124.6), dbSNP rs2146544445, ClinGen allele CA404061693.
Genomic context (GRCh38, chr19:11,027,884, plus strand): 5'-GATAGAATTCTTCCCAAACTCCGAGCAACCAACCACAAAGTGCTGCTGTTCTGCCAAATG[A>G]CCTCCCTCATGACCATCATGGAAGATTACTTTGCGTATCGCGGCTTTAAATACCTCAGGC-3'
Protein context (NP_003063.2, residues 1096-1116): NHKVLLFCQM[Thr1106Ala]SLMTIMEDYF

ClinVar aggregate classification (germline): Uncertain significance (1 of 4 stars; one submission).

Conditions:
Rhabdoid tumor predisposition syndrome 2 (RTPS2). Identifiers: Orphanet 231108, Orphanet 69077, MedGen C2750074, MONDO:0013224, OMIM 613325.

Submission:

Labcorp Genetics (formerly Invitae), Labcorp
Classification: Uncertain significance for Rhabdoid tumor predisposition syndrome 2. Last evaluated: 2021-08-16. Review status: criteria provided, single submitter. Criteria: Invitae Variant Classification Sherloc (09022015). Collection method: clinical testing. Allele origin: germline.
Comment: In summary, the available evidence is currently insufficient to determine the role of this variant in disease. Therefore, it has been classified as a Variant of Uncertain Significance. This sequence change replaces threonine with alanine at codon 1106 of the SMARCA4 protein (p.Thr1106Ala). The threonine residue is highly conserved and there is a small physicochemical difference between threonine and alanine. This variant is not present in population databases (ExAC no frequency). This variant has not been reported in the literature in individuals affected with SMARCA4-related conditions. Algorithms developed to predict the effect of missense changes on protein structure and function (SIFT, PolyPhen-2, Align-GVGD) all suggest that this variant is likely to be disruptive.